The following is an entry in ClinVar:

ClinVar aggregate classification (germline): Uncertain significance (1 of 4 stars; one submission).

Allele frequency attached by ClinVar (database versions not stated): TOPMed below 0.00001; ExAC 0.00001; gnomAD 0.00001.
gnomAD v4.1: 1 of 1,613,752 alleles (0.000062%); highest among the groups gnomAD compares: African/African-American, 0.0013%; no homozygotes.

Submission:

Ambry Genetics
Classification: Uncertain significance. Last evaluated: 2024-05-31. Review status: criteria provided, single submitter. Criteria: Ambry Variant Classification Scheme 2023. Collection method: clinical testing. Allele origin: germline.
Comment: The p.V710A variant (also known as c.2129T>C), located in coding exon 4 of the ALPK2 gene, results from a T to C substitution at nucleotide position 2129. The valine at codon 710 is replaced by alanine, an amino acid with similar properties. This amino acid position is conserved. In addition, this alteration is predicted to be tolerated by in silico analysis. Since supporting evidence is limited at this time, the clinical significance of this alteration remains unclear.

NM_052947.4(ALPK2):c.2129T>C (p.Val710Ala)

Gene: ALPK2 (alpha kinase 2; minus strand). Cytogenetic location: 18q21.31.
Variant type: single nucleotide variant.
Coding change: c.2129T>C on transcript NM_052947.4 (MANE Select); coding-DNA position 2129, T replaced by C.
Protein change: p.Val710Ala; replaces valine 710 with alanine.
Molecular consequence: missense variant.
Genome position (GRCh38, 1-based): chr18:58,538,058, A>G on the plus strand (T>C on the coding strand, the complement: ALPK2 is on the minus strand). VCF-style: chr18-58538058-A-G. GRCh37 (hg19) VCF-style: chr18-56205290-A-G.
Other names: short protein forms V710A.
Identifiers: ClinVar variation 1786358 (VCV001786358.3), dbSNP rs750304245, ClinGen allele CA8977118.
Genomic context (GRCh38, chr18:58,538,058, plus strand): 5'-GGTATGTTGCCATCTCTGTCTTGTTTTTCTTCATGCTGTGGACCACAGGTACAGGGTTTG[A>G]CCTCCGAGTGTTGAGCTAATGATGCATTTTCCTTGTGGACCCCTCCTAAGTTTGAGAAGG-3'
Protein context (NP_443179.3, residues 700-720): ENASLAQHSE[Val710Ala]KPCTCGPQHE